The following is an entry in ClinVar:

ClinVar aggregate classification (germline): Likely pathogenic. Review status: criteria provided, multiple submitters, no conflicts (2 of 4 stars). 2 submissions from 2 submitters: Likely pathogenic (2). Last evaluated 2026-09-08.

Conditions:
Fabry disease. Also called: Fabry's disease; ALPHA-GALACTOSIDASE A DEFICIENCY; ANDERSON-FABRY DISEASE; CERAMIDE TRIHEXOSIDASE DEFICIENCY; GLA DEFICIENCY; Ceramide trihexosidosis. Identifiers: Orphanet 324, MedGen C0002986, MONDO:0010526, OMIM 301500, HP:0001071. Disease mechanism: loss of function, Fabry disease is due to inactivating mutations in the X-linked GLA gene resulting in deficiency of the enzyme Alpha Galactosidase-A..
Primary familial hypertrophic cardiomyopathy (HCM). Identifiers: Orphanet 99739, MedGen C0949658, MeSH D024741, MONDO:0024573. Inheritance: Various modes of inheritance.

Submissions (2):

Genomenon, Inc
Classification: Likely pathogenic for Fabry disease. Last evaluated: 2026-09-08. Review status: criteria provided, single submitter. Criteria: Genomenon Sequence Variant Interpretation Standards - Updated. Collection method: curation. Allele origin: germline. Affected: yes.
Comment: GLA p.Ala348Pro (c.1042G>C) is a missense variant that changes the amino acid at codon 348 from Alanine to Proline. This variant has been observed in at least one proband with clinical features consistent with Fabry disease (PMID:26252393;20022777;39766319;25955246;31246960;32854306;27939050;16595074). At least one functional study has demonstrated a substantial alteration in protein function relative to the wild-type (PMID:27657681). It is absent or not present at a significant frequency in gnomAD. In silico models predict that this variant is possibly or probably damaging. In conclusion, we classify GLA p.Ala348Pro (c.1042G>C) as a likely pathogenic variant.

Molecular Diagnostic Laboratory for Inherited Cardiovascular Disease, Montreal Heart Institute
Classification: Likely pathogenic for Primary familial hypertrophic cardiomyopathy. Review status: criteria provided, single submitter. Criteria: ACMG Guidelines, 2015. Collection method: clinical testing. Allele origin: germline. Affected: yes.

Literature cited by the submitters: PubMed 26252393 (cited by Genomenon, Inc); PubMed 20022777 (cited by Genomenon, Inc); PubMed 39766319 (cited by Genomenon, Inc); PubMed 25955246 (cited by Genomenon, Inc); PubMed 31246960 (cited by Genomenon, Inc); PubMed 32854306 (cited by Genomenon, Inc); PubMed 27939050 (cited by Genomenon, Inc); PubMed 16595074 (cited by Genomenon, Inc); PubMed 27657681 (cited by Genomenon, Inc).

NM_000169.3(GLA):c.1042G>C (p.Ala348Pro)

Genes: GLA (galactosidase alpha; minus strand), RPL36A-HNRNPH2 (RPL36A-HNRNPH2 readthrough; plus strand). Cytogenetic location: Xq22.1.
Variant type: single nucleotide variant.
Coding change: c.1042G>C on transcript NM_000169.3 (MANE Select); coding-DNA position 1042, G replaced by C.
Protein change: p.Ala348Pro; replaces alanine 348 with proline.
Molecular consequence: missense variant. On other transcripts: non-coding transcript variant (3), intron variant (2).
Genome position (GRCh38, 1-based): chrX:101,398,057, C>G on the plus strand (G>C on the coding strand, the complement: GLA is on the minus strand). VCF-style: chrX-101398057-C-G. GRCh37 (hg19) VCF-style: chrX-100653045-C-G.
Other names: c.1165G>C, p.Ala389Pro (NM_001406747.1); c.300+2600C>G (NM_001199973.2); c.177+6235C>G (NM_001199974.2); short protein forms A348P, A389P.
Identifiers: ClinVar variation 684856 (VCV000684856.4), dbSNP rs1603037717, ClinGen allele CA413921117.